The following is an entry in ClinVar:

ClinVar aggregate classification (germline): Uncertain significance (1 of 4 stars; one submission).

Conditions:
Cardiovascular phenotype. Identifiers: MedGen CN230736.

gnomAD v4.1: 1 of 1,550,216 alleles (0.000065%); highest among the groups gnomAD compares: East Asian, 0.0024%; no homozygotes.

Submission:

Ambry Genetics
Classification: Uncertain significance for Cardiovascular phenotype. Last evaluated: 2025-03-25. Review status: criteria provided, single submitter. Criteria: Ambry Variant Classification Scheme 2023. Collection method: clinical testing. Allele origin: germline.
Comment: The p.C3605Y variant (also known as c.10814G>A), located in coding exon 2 of the ZNF469 gene, results from a G to A substitution at nucleotide position 10814. The cysteine at codon 3605 is replaced by tyrosine, an amino acid with highly dissimilar properties. This amino acid position is conserved. In addition, this alteration is predicted to be tolerated by in silico analysis. Based on the available evidence, the clinical significance of this variant remains unclear.

NM_001367624.2(ZNF469):c.10898G>A (p.Cys3633Tyr)

Gene: ZNF469 (zinc finger protein 469; plus strand). Cytogenetic location: 16q24.2.
Variant type: single nucleotide variant.
Coding change: c.10898G>A on transcript NM_001367624.2 (MANE Select); coding-DNA position 10898, G replaced by A.
Protein change: p.Cys3633Tyr; replaces cysteine 3633 with tyrosine.
Molecular consequence: missense variant.
Genome position (GRCh38, 1-based): chr16:88,438,368, G>A. VCF-style: chr16-88438368-G-A. GRCh37 (hg19) VCF-style: chr16-88504776-G-A.
Other names: NM_001127464.1:c.10814G>A; short protein forms C3633Y.
Identifiers: ClinVar variation 3987305 (VCV003987305.1).